The following is an entry in ClinVar:

ClinVar aggregate classification (germline): Uncertain significance (1 of 4 stars; one submission).

Conditions:
Hereditary cancer-predisposing syndrome. Also called: Neoplastic Syndromes, Hereditary; Tumor predisposition; Hereditary neoplastic syndrome; Hereditary Cancer Syndrome. Identifiers: Orphanet 140162, MedGen C0027672, MeSH D009386, MONDO:0015356.

Allele frequency attached by ClinVar (database versions not stated): ExAC 0.00001.

Submission:

Ambry Genetics
Classification: Uncertain significance for Hereditary cancer-predisposing syndrome. Last evaluated: 2023-11-29. Review status: criteria provided, single submitter. Criteria: Ambry Variant Classification Scheme 2023. Collection method: clinical testing. Allele origin: germline.
Comment: The p.N20D variant (also known as c.58A>G), located in coding exon 1 of the APC gene, results from an A to G substitution at nucleotide position 58. The asparagine at codon 20 is replaced by aspartic acid, an amino acid with highly similar properties. This amino acid position is highly conserved in available vertebrate species. In addition, in silico predictors for this gene do not accurately predict pathogenicity. Since supporting evidence is limited at this time, the clinical significance of this alteration remains unclear.

NM_000038.6(APC):c.58A>G (p.Asn20Asp)

Gene: APC (APC regulator of Wnt signaling pathway; plus strand). Cytogenetic location: 5q22.2.
Variant type: single nucleotide variant.
Coding change: c.58A>G on transcript NM_000038.6 (MANE Select); coding-DNA position 58, A replaced by G.
Protein change: p.Asn20Asp; replaces asparagine 20 with aspartic acid.
Molecular consequence: missense variant. On other transcripts: 5 prime UTR variant (4), non-coding transcript variant (2), intron variant (11).
Genome position (GRCh38, 1-based): chr5:112,754,948, A>G. VCF-style: chr5-112754948-A-G. GRCh37 (hg19) VCF-style: chr5-112090645-A-G.
Other names: c.58A>G, p.Asn20Asp (NM_001127510.3, NM_001354895.2, NM_001354896.2 and 16 more transcripts); c.-978A>G (NM_001354906.2, NM_001407470.1, NM_001407471.1 and 1 more transcripts); c.166-11378A>G (NM_001407446.1, NM_001354897.2, NM_001354902.2 and 1 more transcripts); c.-42-11378A>G (NM_001407453.1, NM_001354900.2, NM_001354901.2 and 1 more transcripts); c.61-11378A>G (NM_001407451.1, NM_001354898.2, NM_001354904.2); short protein forms N20D.
Identifiers: ClinVar variation 3230813 (VCV003230813.1), dbSNP rs760591046, ClinGen allele CA043346.
Genomic context (GRCh38, chr5:112,754,948, plus strand): 5'-AGGATGGCTGCAGCTTCATATGATCAGTTGTTAAAGCAAGTTGAGGCACTGAAGATGGAG[A>G]ACTCAAATCTTCGACAAGAGCTAGAAGATAATTCCAATCATCTTACAAAACTGGAAACTG-3'
Protein context (NP_000029.2, residues 10-30): LKQVEALKME[Asn20Asp]SNLRQELEDN